The following is an entry in ClinVar:

NM_018900.4(PCDHA1):c.2394+59919G>C

Genes: PCDHA1 (protocadherin alpha 1; plus strand), PCDHA2 (protocadherin alpha 2; plus strand), PCDHA3 (protocadherin alpha 3; plus strand), PCDHA4 (protocadherin alpha 4; plus strand), PCDHA5 (protocadherin alpha 5; plus strand) and 5 more. Cytogenetic location: 5q31.3.
Variant type: single nucleotide variant.
Coding change: c.2394+59919G>C on transcript NM_018900.4 (MANE Select); 59919 bases into the intron after coding-DNA position 2394, G replaced by C.
Molecular consequence: intron variant. On other transcripts: synonymous variant (2).
Genome position (GRCh38, 1-based): chr5:140,848,603, G>C. VCF-style: chr5-140848603-G-C. GRCh37 (hg19) VCF-style: chr5-140228188-G-C.
Other names: c.108G>C, p.Pro36= (NM_014005.5, NM_031857.2); c.1602+60711G>C (NM_031411.3); c.2388+51251G>C (NM_018905.3); c.2394+45012G>C (NM_018906.3); c.2385+39031G>C (NM_018907.4); c.2352+24476G>C (NM_018908.3); c.2394+18118G>C (NM_018909.4); c.1602+18910G>C (NM_031849.3); and 2 more.
Identifiers: ClinVar variation 2655770 (VCV002655770.23), dbSNP rs144574743, ClinGen allele CA3450132.
Genomic context (GRCh38, chr5:140,848,603, plus strand): 5'-CTCGCTTCTGATCCTCGCAATGTGGGTGGTGGGGAGCGGCCAGCTCCACTACTCCGTCCC[G>C]GAGGAAGCCGAACACGGCACCTTCGTGGGCCGCATCGCGCAGGACCTGGGGCTGGAGCTG-3'

ClinVar aggregate classification (germline): Likely benign. Review status: criteria provided, single submitter (1 of 4 stars). 2 submissions from 2 submitters: Likely benign (1). 1 of the submissions does not count toward it. Last evaluated 2022-12-01.

Conditions:
PCDHA9-related disorder. Also called: PCDHA9-related condition.

Allele frequency attached by ClinVar (database versions not stated): gnomAD exomes 0.00302; 1000 Genomes Project 30x 0.01015.
gnomAD v4.1: 5,441 of 1,581,086 alleles (0.34%); highest among the groups gnomAD compares: Middle Eastern, 1.1%; 700 homozygotes.

Submissions (2):

CeGaT Center for Human Genetics Tuebingen
Classification: Likely benign. Last evaluated: 2022-12-01. Review status: criteria provided, single submitter. Criteria: CeGaT Center For Human Genetics Tuebingen Variant Classification Criteria Version 2. Collection method: clinical testing. Allele origin: germline. Affected: yes. Observed: 1 variant allele.
Comment: PCDHA1: BS2; PCDHA2: BS2; PCDHA3: BS2; PCDHA4: BS2; PCDHA5: BS2; PCDHA6: BS2; PCDHA7: BS2; PCDHA8: BS2; PCDHA9: BP4, BP7, BS2

PreventionGenetics, part of Exact Sciences
Classification: Likely benign for PCDHA9-related condition. Last evaluated: 2020-09-25. Review status: no assertion criteria provided. Collection method: clinical testing. Allele origin: germline. Not counted in ClinVar's aggregate classification.
Comment: This variant is classified as likely benign based on ACMG/AMP sequence variant interpretation guidelines (Richards et al. 2015 PMID: 25741868, with internal and published modifications).